The following is an entry in ClinVar:

ClinVar aggregate classification (germline): Uncertain significance (1 of 4 stars; one submission).

Allele frequency attached by ClinVar (database versions not stated): gnomAD exomes below 0.00001.
gnomAD v4.1: 1 of 1,613,670 alleles (0.000062%); highest among the groups gnomAD compares: Non-Finnish European, 0.000085%; no homozygotes.

Submission:

Labcorp Genetics (formerly Invitae), Labcorp
Classification: Uncertain significance. Last evaluated: 2023-12-11. Review status: criteria provided, single submitter. Criteria: Invitae Variant Classification Sherloc (09022015). Collection method: clinical testing. Allele origin: germline.
Comment: This sequence change replaces asparagine, which is neutral and polar, with aspartic acid, which is acidic and polar, at codon 599 of the VPS13A protein (p.Asn599Asp). This variant is not present in population databases (gnomAD no frequency). This variant has not been reported in the literature in individuals affected with VPS13A-related conditions. ClinVar contains an entry for this variant (Variation ID: 1913704). Advanced modeling of protein sequence and biophysical properties (such as structural, functional, and spatial information, amino acid conservation, physicochemical variation, residue mobility, and thermodynamic stability) performed at Invitae indicates that this missense variant is expected to disrupt VPS13A protein function with a positive predictive value of 80%. In summary, the available evidence is currently insufficient to determine the role of this variant in disease. Therefore, it has been classified as a Variant of Uncertain Significance.

NM_033305.3(VPS13A):c.1795A>G (p.Asn599Asp)

Gene: VPS13A (vacuolar protein sorting 13 homolog A; plus strand). Cytogenetic location: 9q21.2.
Variant type: single nucleotide variant.
Coding change: c.1795A>G on transcript NM_033305.3 (MANE Select); coding-DNA position 1795, A replaced by G.
Protein change: p.Asn599Asp; replaces asparagine 599 with aspartic acid.
Molecular consequence: missense variant.
Genome position (GRCh38, 1-based): chr9:77,238,281, A>G. VCF-style: chr9-77238281-A-G. GRCh37 (hg19) VCF-style: chr9-79853197-A-G.
Other names: c.1795A>G, p.Asn599Asp (NM_001018037.2, NM_001018038.3, NM_015186.4); short protein forms N599D.
Identifiers: ClinVar variation 1913704 (VCV001913704.5), dbSNP rs2537667908, ClinGen allele CA373847795.